The following is an entry in ClinVar:

NM_018124.4(RFWD3):c.1613C>T (p.Ala538Val)

Gene: RFWD3 (ring finger and WD repeat domain 3; minus strand). Cytogenetic location: 16q23.1.
Variant type: single nucleotide variant.
Coding change: c.1613C>T on transcript NM_018124.4 (MANE Select); coding-DNA position 1613, C replaced by T.
Protein change: p.Ala538Val; replaces alanine 538 with valine.
Molecular consequence: missense variant. On other transcripts: intron variant (1).
Genome position (GRCh38, 1-based): chr16:74,630,922, G>A on the plus strand (C>T on the coding strand, the complement: RFWD3 is on the minus strand). VCF-style: chr16-74630922-G-A. GRCh37 (hg19) VCF-style: chr16-74664820-G-A.
Other names: c.1613C>T, p.Ala538Val (NM_001370534.1, NM_001370535.1); c.779C>T, p.Ala260Val (NM_001370537.1, NM_001370539.1, NM_001370540.1 and 3 more transcripts); c.1577+1601C>T (NM_001370536.1); short protein forms A260V, A538V.
Identifiers: ClinVar variation 2828919 (VCV002828919.3), dbSNP rs1242419020, ClinGen allele CA396760407.

ClinVar aggregate classification (germline): Uncertain significance (1 of 4 stars; one submission).

Allele frequency attached by ClinVar (database versions not stated): gnomAD exomes 0.00001; gnomAD 0.00001; TOPMed 0.00002.

Submission:

Labcorp Genetics (formerly Invitae), Labcorp
Classification: Uncertain significance. Last evaluated: 2025-03-22. Review status: criteria provided, single submitter. Criteria: Invitae Variant Classification Sherloc (09022015). Collection method: clinical testing. Allele origin: germline.
Comment: This sequence change replaces alanine, which is neutral and non-polar, with valine, which is neutral and non-polar, at codon 538 of the RFWD3 protein (p.Ala538Val). The frequency data for this variant in the population databases is considered unreliable, as metrics indicate poor data quality at this position in the gnomAD database. This variant has not been reported in the literature in individuals affected with RFWD3-related conditions. ClinVar contains an entry for this variant (Variation ID: 2828919). An algorithm developed to predict the effect of missense changes on protein structure and function (PolyPhen-2) suggests that this variant is likely to be tolerated. In summary, the available evidence is currently insufficient to determine the role of this variant in disease. Therefore, it has been classified as a Variant of Uncertain Significance.